The following is an entry in ClinVar:

ClinVar aggregate classification (germline): Uncertain significance. Review status: criteria provided, multiple submitters, no conflicts (2 of 4 stars). 2 submissions from 2 submitters: Uncertain significance (2). Last evaluated 2025-04-30.

Conditions:
Inborn genetic diseases. Identifiers: MedGen C0950123, MeSH D030342.

Allele frequency attached by ClinVar (database versions not stated): TOPMed 0.00003; gnomAD 0.00005 and 0.00004; 1000 Genomes Project 30x 0.00016; gnomAD exomes 0.00002 and 0.00004; 1000 Genomes Project 0.00020; ExAC 0.00007.
gnomAD v4.1: 33 of 1,613,768 alleles (0.002%); highest among the groups gnomAD compares: African/African-American, 0.011%; no homozygotes.

Submissions (2):

Ambry Genetics
Classification: Uncertain significance for Inborn genetic diseases. Last evaluated: 2025-04-30. Review status: criteria provided, single submitter. Criteria: Ambry Variant Classification Scheme 2023. Collection method: clinical testing. Allele origin: germline.

Labcorp Genetics (formerly Invitae), Labcorp
Classification: Uncertain significance. Last evaluated: 2021-09-15. Review status: criteria provided, single submitter. Criteria: Invitae Variant Classification Sherloc (09022015). Collection method: clinical testing. Allele origin: germline.
Comment: This variant has not been reported in the literature in individuals affected with OBSL1-related conditions. Algorithms developed to predict the effect of missense changes on protein structure and function are either unavailable or do not agree on the potential impact of this missense change (SIFT: "Tolerated"; PolyPhen-2: "Possibly Damaging"; Align-GVGD: "Class C0"). In summary, the available evidence is currently insufficient to determine the role of this variant in disease. Therefore, it has been classified as a Variant of Uncertain Significance. This variant is present in population databases (rs577797633, ExAC 0.02%). This sequence change replaces valine with methionine at codon 817 of the OBSL1 protein (p.Val817Met). The valine residue is moderately conserved and there is a small physicochemical difference between valine and methionine.

NM_015311.3(OBSL1):c.2449G>A (p.Val817Met)

Gene: OBSL1 (obscurin like cytoskeletal adaptor 1; minus strand). Cytogenetic location: 2q35.
Variant type: single nucleotide variant.
Coding change: c.2449G>A on transcript NM_015311.3 (MANE Select); coding-DNA position 2449, G replaced by A.
Protein change: p.Val817Met; replaces valine 817 with methionine.
Molecular consequence: missense variant.
Genome position (GRCh38, 1-based): chr2:219,563,586, C>T on the plus strand (G>A on the coding strand, the complement: OBSL1 is on the minus strand). VCF-style: chr2-219563586-C-T. GRCh37 (hg19) VCF-style: chr2-220428308-C-T.
Other names: c.2449G>A, p.Val817Met (NM_001173408.2, NM_001173431.2); c.2449G>A (NM_015311.2); short protein forms V817M.
Identifiers: ClinVar variation 1382894 (VCV001382894.6), dbSNP rs577797633, ClinGen allele CA2131211.